The following is an entry in ClinVar:

ClinVar aggregate classification (germline): Uncertain significance. Review status: criteria provided, multiple submitters, no conflicts (2 of 4 stars). 2 submissions from 2 submitters: Uncertain significance (2). Last evaluated 2022-11-25.

Conditions:
Hereditary cancer-predisposing syndrome. Also called: Neoplastic Syndromes, Hereditary; Tumor predisposition; Hereditary Cancer Syndrome; Hereditary neoplastic syndrome. Identifiers: Orphanet 140162, MedGen C0027672, MeSH D009386, MONDO:0015356.
Hereditary nonpolyposis colorectal neoplasms. Identifiers: MedGen C0009405, MeSH D003123.

Submissions (2):

Ambry Genetics
Classification: Uncertain significance for Hereditary cancer-predisposing syndrome. Last evaluated: 2022-11-25. Review status: criteria provided, single submitter. Criteria: Ambry Variant Classification Scheme 2023. Collection method: clinical testing. Allele origin: germline.
Comment: The p.V658M variant (also known as c.1972G>A), located in coding exon 4 of the MSH6 gene, results from a G to A substitution at nucleotide position 1972. The valine at codon 658 is replaced by methionine, an amino acid with highly similar properties. This amino acid position is conserved. In addition, the in silico prediction for this alteration is inconclusive. Since supporting evidence is limited at this time, the clinical significance of this alteration remains unclear.

Labcorp Genetics (formerly Invitae), Labcorp
Classification: Uncertain significance for Hereditary nonpolyposis colorectal neoplasms. Last evaluated: 2022-09-01. Review status: criteria provided, single submitter. Criteria: Invitae Variant Classification Sherloc (09022015). Collection method: clinical testing. Allele origin: germline.
Comment: ClinVar contains an entry for this variant (Variation ID: 525649). This variant has not been reported in the literature in individuals affected with MSH6-related conditions. This variant is not present in population databases (gnomAD no frequency). This sequence change replaces valine, which is neutral and non-polar, with methionine, which is neutral and non-polar, at codon 658 of the MSH6 protein (p.Val658Met). In summary, the available evidence is currently insufficient to determine the role of this variant in disease. Therefore, it has been classified as a Variant of Uncertain Significance. Advanced modeling of protein sequence and biophysical properties (such as structural, functional, and spatial information, amino acid conservation, physicochemical variation, residue mobility, and thermodynamic stability) performed at Invitae indicates that this missense variant is not expected to disrupt MSH6 protein function.

NM_000179.3(MSH6):c.1972G>A (p.Val658Met)

Gene: MSH6 (mutS homolog 6; plus strand). Cytogenetic location: 2p16.3.
Variant type: single nucleotide variant.
Coding change: c.1972G>A on transcript NM_000179.3 (MANE Select); coding-DNA position 1972, G replaced by A.
Protein change: p.Val658Met; replaces valine 658 with methionine.
Molecular consequence: missense variant.
Genome position (GRCh38, 1-based): chr2:47,799,955, G>A. VCF-style: chr2-47799955-G-A. GRCh37 (hg19) VCF-style: chr2-48027094-G-A.
Other names: c.1582G>A, p.Val528Met (NM_001281492.2); c.1066G>A, p.Val356Met (NM_001281493.2, NM_001281494.2); short protein forms V658M, V356M, V528M.
Identifiers: ClinVar variation 525649 (VCV000525649.11), dbSNP rs1553413340, ClinGen allele CA346750608.